The following is an entry in ClinVar:

ClinVar aggregate classification (germline): Uncertain significance (1 of 4 stars; one submission).

Allele frequency attached by ClinVar (database versions not stated): TOPMed below 0.00001.
gnomAD v4.1: 1 of 1,612,538 alleles (0.000062%); highest among the groups gnomAD compares: East Asian, 0.0022%; no homozygotes.

Submission:

GeneDx
Classification: Uncertain significance. Last evaluated: 2019-07-18. Review status: criteria provided, single submitter. Criteria: GeneDx Variant Classification Process June 2021. Collection method: clinical testing. Allele origin: germline. Affected: yes.
Comment: Not observed in large population cohorts (Lek et al., 2016); In silico analysis, which includes protein predictors and evolutionary conservation, supports a deleterious effect; Has not been previously published as pathogenic or benign to our knowledge

NM_018896.5(CACNA1G):c.4801C>T (p.Arg1601Trp)

Gene: CACNA1G (calcium voltage-gated channel subunit alpha1 G; plus strand). Cytogenetic location: 17q21.33.
Variant type: single nucleotide variant.
Coding change: c.4801C>T on transcript NM_018896.5 (MANE Select); coding-DNA position 4801, C replaced by T.
Protein change: p.Arg1601Trp; replaces arginine 1601 with tryptophan.
Molecular consequence: missense variant. On other transcripts: non-coding transcript variant (5).
Genome position (GRCh38, 1-based): chr17:50,615,402, C>T. VCF-style: chr17-50615402-C-T. GRCh37 (hg19) VCF-style: chr17-48692763-C-T.
Other names: c.4747C>T, p.Arg1583Trp (NM_001256324.2, NM_001256328.2, NM_198386.3); c.4822C>T, p.Arg1608Trp (NM_001256325.2); c.4666C>T, p.Arg1556Trp (NM_001256326.2, NM_001256330.2); c.4801C>T, p.Arg1601Trp (NM_001256327.2, NM_001256333.2, NM_198384.3 and 1 more transcripts); c.4699C>T, p.Arg1567Trp (NM_001256329.2, NM_198376.3, NM_198379.3 and 2 more transcripts); c.4645C>T, p.Arg1549Trp (NM_001256331.2); c.4630C>T, p.Arg1544Trp (NM_001256332.2); c.4768C>T, p.Arg1590Trp (NM_001256334.2, NM_198377.3, NM_198378.3 and 1 more transcripts); and 5 more; short protein forms R1544W, R1549W, R1556W, R1560W, R1563W, R1565W, R1567W, R1574W.
Identifiers: ClinVar variation 1307138 (VCV001307138.2), dbSNP rs751861938, ClinGen allele CA400261276.
Genomic context (GRCh38, chr17:50,615,402, plus strand): 5'-CTTCCCCCTGCCCCATCAGAAGCCCAGTGCAAACCTTACTACTCCGACTACTCCCGCTTC[C>T]GGCTCCTCGTCCACCACTTGTGCACCAGCCACTACCTGGACCTCTTCATCACAGGTGTCA-3'
Protein context (NP_061496.2, residues 1591-1611): KPYYSDYSRF[Arg1601Trp]LLVHHLCTSH